The following is an entry in ClinVar:

NM_001042492.3(NF1):c.8057A>G (p.Gln2686Arg)

Gene: NF1 (neurofibromin 1; plus strand). Cytogenetic location: 17q11.2.
Variant type: single nucleotide variant.
Coding change: c.8057A>G on transcript NM_001042492.3 (MANE Select); coding-DNA position 8057, A replaced by G.
Protein change: p.Gln2686Arg; replaces glutamine 2686 with arginine.
Molecular consequence: missense variant.
Genome position (GRCh38, 1-based): chr17:31,358,566, A>G. VCF-style: chr17-31358566-A-G. GRCh37 (hg19) VCF-style: chr17-29685584-A-G.
Other names: c.7994A>G, p.Gln2665Arg (NM_000267.4); short protein forms Q2686R, Q2665R.
Identifiers: ClinVar variation 827374 (VCV000827374.6), dbSNP rs890017184, ClinGen allele CA289711056.

ClinVar aggregate classification (germline): Uncertain significance. Review status: criteria provided, multiple submitters, no conflicts (2 of 4 stars). 2 submissions from 2 submitters: Uncertain significance (2). Last evaluated 2024-12-15.

Conditions:
Hereditary cancer-predisposing syndrome. Also called: Neoplastic Syndromes, Hereditary; Hereditary Cancer Syndrome; Hereditary neoplastic syndrome; Tumor predisposition. Identifiers: Orphanet 140162, MedGen C0027672, MeSH D009386, MONDO:0015356.
Cardiovascular phenotype. Identifiers: MedGen CN230736.
Neurofibromatosis, type 1 (NF1). Also called: Neurofibromatosis, type I; Peripheral type neurofibromatosis; VON RECKLINGHAUSEN DISEASE; NEUROFIBROMATOSIS, TYPE I, SOMATIC. Identifiers: Orphanet 636, MedGen C0027831, MONDO:0018975, OMIM 162200. Disease mechanism: loss of function.

Submissions (2):

Labcorp Genetics (formerly Invitae), Labcorp
Classification: Uncertain significance for Neurofibromatosis, type 1. Last evaluated: 2024-12-15. Review status: criteria provided, single submitter. Criteria: Invitae Variant Classification Sherloc (09022015). Collection method: clinical testing. Allele origin: germline.
Comment: This sequence change replaces glutamine, which is neutral and polar, with arginine, which is basic and polar, at codon 2665 of the NF1 protein (p.Gln2665Arg). This variant is not present in population databases (gnomAD no frequency). This missense change has been observed in individual(s) with NF1-related conditions (PMID: 26740943). ClinVar contains an entry for this variant (Variation ID: 827374). Invitae Evidence Modeling of protein sequence and biophysical properties (such as structural, functional, and spatial information, amino acid conservation, physicochemical variation, residue mobility, and thermodynamic stability) indicates that this missense variant is expected to disrupt NF1 protein function with a positive predictive value of 95%. In summary, the available evidence is currently insufficient to determine the role of this variant in disease. Therefore, it has been classified as a Variant of Uncertain Significance.

Ambry Genetics
Classification: Uncertain significance for Cardiovascular phenotype; Hereditary cancer-predisposing syndrome. Last evaluated: 2019-11-11. Review status: criteria provided, single submitter. Criteria: Ambry Variant Classification Scheme 2023. Collection method: clinical testing. Allele origin: germline.
Comment: The p.Q2665R variant (also known as c.7994A>G), located in coding exon 54 of the NF1 gene, results from an A to G substitution at nucleotide position 7994. The glutamine at codon 2665 is replaced by arginine, an amino acid with highly similar properties. This variant has been reported in an individual with a personal history of neurofibromas, but who did not meet NIH diagnostic criteria for Neurofibromatosis type 1 (NF1) (Bianchessi D et al. Mol Genet Genomic Med, 2015 Nov;3:513-25). This amino acid position is highly conserved in available vertebrate species. In addition, the in silico prediction for this alteration is inconclusive. Since supporting evidence is limited at this time, the clinical significance of this alteration remains unclear.

Literature cited by the submitters: PubMed 26740943 (cited by Labcorp Genetics (formerly Invitae), Labcorp).